The following is an entry in ClinVar:

ClinVar aggregate classification (germline): Likely benign. Review status: criteria provided, multiple submitters, no conflicts (2 of 4 stars). 9 submissions from 9 submitters: Likely benign (6). 3 of the submissions do not count toward it. Last evaluated 2026-06-29.

Conditions:
Cardiovascular phenotype. Identifiers: MedGen CN230736.
PKP2-related disorder. Also called: PKP2-related condition.
Cardiomyopathy (CMYO). Also called: Cardiomyopathies. Identifiers: Orphanet 167848, MedGen C0878544, MONDO:0004994, HP:0001638. Inheritance: Various modes of inheritance.
Arrhythmogenic right ventricular dysplasia 9 (ARVD9). Also called: Arrhythmogenic Right Ventricular Dysplasia/Cardiomyopathy 9; ARRHYTHMOGENIC RIGHT VENTRICULAR DYSPLASIA, FAMILIAL, 9. Identifiers: MedGen C1836906, MONDO:0012180, OMIM 609040.

Allele frequency attached by ClinVar (database versions not stated): TOPMed 0.00003; gnomAD 0.00004; ExAC 0.00005; gnomAD exomes 0.00006.
gnomAD v4.1: 54 of 1,614,070 alleles (0.0033%); highest among the groups gnomAD compares: Admixed American, 0.02%; no homozygotes.

Submissions (9):

PreventionGenetics, part of Exact Sciences
Classification: Likely benign for PKP2-related condition. Last evaluated: 2026-06-29. Review status: criteria provided, single submitter. Criteria: ACMG Guidelines, 2015. Collection method: clinical testing. Allele origin: germline.
Comment: This variant is classified as likely benign based on ACMG/AMP sequence variant interpretation guidelines (Richards et al. 2015 PMID: 25741868, with internal and published modifications).

Labcorp Genetics (formerly Invitae), Labcorp
Classification: Likely benign for Arrhythmogenic right ventricular dysplasia 9. Last evaluated: 2025-10-18. Review status: criteria provided, single submitter. Criteria: Invitae Variant Classification Sherloc (09022015). Collection method: clinical testing. Allele origin: germline.

Color Diagnostics, LLC DBA Color Health
Classification: Likely benign for Cardiomyopathy. Last evaluated: 2019-12-09. Review status: criteria provided, single submitter. Criteria: ACMG Guidelines, 2015. Collection method: clinical testing. Allele origin: germline.

GeneDx
Classification: Likely benign. Last evaluated: 2018-01-10. Review status: criteria provided, single submitter. Criteria: GeneDx Variant Classification (06012015). Collection method: clinical testing. Allele origin: germline. Affected: yes.
Comment: This variant is considered likely benign or benign based on one or more of the following criteria: it is a conservative change, it occurs at a poorly conserved position in the protein, it is predicted to be benign by multiple in silico algorithms, and/or has population frequency not consistent with disease.

Ambry Genetics
Classification: Likely benign for Cardiovascular phenotype. Last evaluated: 2016-12-29. Review status: criteria provided, single submitter. Criteria: Ambry Variant Classification Scheme 2023. Collection method: clinical testing. Allele origin: germline.

Laboratory for Molecular Medicine, Mass General Brigham Personalized Medicine
Classification: Likely benign. Last evaluated: 2014-09-11. Review status: criteria provided, single submitter. Criteria: LMM Criteria. Collection method: clinical testing. Allele origin: germline. Observed: 1 variant allele.
Comment: Pro238Pro in exon 3 of PKP2: This variant is not expected to have clinical signi ficance because it does not alter an amino acid residue and is not located withi n the splice consensus sequence.

Clinical Genetics DNA and cytogenetics Diagnostics Lab, Erasmus MC, Erasmus Medical Center
Classification: Likely benign. Review status: no assertion criteria provided. Collection method: clinical testing. Allele origin: germline. Affected: yes. Study: VKGL Data-share Consensus. Not counted in ClinVar's aggregate classification.

Genome Diagnostics Laboratory, University Medical Center Utrecht
Classification: Likely benign. Review status: no assertion criteria provided. Collection method: clinical testing. Allele origin: germline. Affected: yes. Study: VKGL Data-share Consensus. Not counted in ClinVar's aggregate classification.

Joint Genome Diagnostic Labs from Nijmegen and Maastricht, Radboudumc and MUMC+
Classification: Likely benign. Review status: no assertion criteria provided. Collection method: clinical testing. Allele origin: germline. Affected: yes. Study: VKGL Data-share Consensus. Not counted in ClinVar's aggregate classification.

NM_001005242.3(PKP2):c.714G>A (p.Pro238=)

Gene: PKP2 (plakophilin 2; minus strand). Cytogenetic location: 12p11.21.
Variant type: single nucleotide variant.
Coding change: c.714G>A on transcript NM_001005242.3 (MANE Select); coding-DNA position 714, G replaced by A.
Protein change: p.Pro238=; no amino-acid change (proline 238 retained).
Molecular consequence: synonymous variant.
Genome position (GRCh38, 1-based): chr12:32,878,166, C>T on the plus strand (G>A on the coding strand, the complement: PKP2 is on the minus strand). VCF-style: chr12-32878166-C-T. GRCh37 (hg19) VCF-style: chr12-33031100-C-T.
Other names: c.714G>A, p.Pro238= (NM_004572.4).
Identifiers: ClinVar variation 164966 (VCV000164966.24), dbSNP rs727503372, ClinGen allele CA012459.